The following is an entry in ClinVar:

NM_016247.4(IMPG2):c.3391C>A (p.His1131Asn)

Gene: IMPG2 (interphotoreceptor matrix proteoglycan 2; minus strand). Cytogenetic location: 3q12.3.
Variant type: single nucleotide variant.
Coding change: c.3391C>A on transcript NM_016247.4 (MANE Select); coding-DNA position 3391, C replaced by A.
Protein change: p.His1131Asn; replaces histidine 1131 with asparagine.
Molecular consequence: missense variant.
Genome position (GRCh38, 1-based): chr3:101,230,988, G>T on the plus strand (C>A on the coding strand, the complement: IMPG2 is on the minus strand). VCF-style: chr3-101230988-G-T. GRCh37 (hg19) VCF-style: chr3-100949832-G-T.
Other names: short protein forms H1131N.
Identifiers: ClinVar variation 1928739 (VCV001928739.5), dbSNP rs2508921523, ClinGen allele CA353848328.

ClinVar aggregate classification (germline): Uncertain significance (1 of 4 stars; one submission).

Submission:

Labcorp Genetics (formerly Invitae), Labcorp
Classification: Uncertain significance. Last evaluated: 2022-03-31. Review status: criteria provided, single submitter. Criteria: Invitae Variant Classification Sherloc (09022015). Collection method: clinical testing. Allele origin: germline.
Comment: In summary, the available evidence is currently insufficient to determine the role of this variant in disease. Therefore, it has been classified as a Variant of Uncertain Significance. Algorithms developed to predict the effect of missense changes on protein structure and function output the following: SIFT: "Tolerated"; PolyPhen-2: "Benign"; Align-GVGD: "Class C0". The asparagine amino acid residue is found in multiple mammalian species, which suggests that this missense change does not adversely affect protein function. This variant has not been reported in the literature in individuals affected with IMPG2-related conditions. This variant is not present in population databases (gnomAD no frequency). This sequence change replaces histidine, which is basic and polar, with asparagine, which is neutral and polar, at codon 1131 of the IMPG2 protein (p.His1131Asn).